The following is an entry in ClinVar:

NM_015335.5(MED13L):c.166A>G (p.Ile56Val)

Gene: MED13L (mediator complex subunit 13L; minus strand). Cytogenetic location: 12q24.21.
Variant type: single nucleotide variant.
Coding change: c.166A>G on transcript NM_015335.5 (MANE Select); coding-DNA position 166, A replaced by G.
Protein change: p.Ile56Val; replaces isoleucine 56 with valine.
Molecular consequence: missense variant.
Genome position (GRCh38, 1-based): chr12:116,237,612, T>C on the plus strand (A>G on the coding strand, the complement: MED13L is on the minus strand). VCF-style: chr12-116237612-T-C. GRCh37 (hg19) VCF-style: chr12-116675417-T-C.
Other names: short protein forms I56V.
Identifiers: ClinVar variation 2167661 (VCV002167661.5), dbSNP rs777432809, ClinGen allele CA6811808.

ClinVar aggregate classification (germline): Benign/Likely benign. Review status: criteria provided, multiple submitters, no conflicts (2 of 4 stars). 2 submissions from 2 submitters: Benign (1); Likely benign (1). Last evaluated 2026-07-01.

Conditions:
Dextro-looped transposition of the great arteries. Also called: Dextrotransposition of the great arteries. Identifiers: Orphanet 860, MedGen C3531771, MONDO:0019443, OMIM 608808, HP:0031348.

Allele frequency attached by ClinVar (database versions not stated): gnomAD 0.00004; ExAC 0.00006; TOPMed 0.00009.
gnomAD v4.1: 42 of 1,614,052 alleles (0.0026%); highest among the groups gnomAD compares: Admixed American, 0.045%; no homozygotes.

Submissions (2):

CeGaT Center for Human Genetics Tuebingen
Classification: Likely benign. Last evaluated: 2026-07-01. Review status: criteria provided, single submitter. Criteria: CeGaT Center For Human Genetics Tuebingen Variant Classification Criteria Version 2. Collection method: clinical testing. Allele origin: germline. Affected: yes. Observed: 1 variant allele.
Comment: MED13L: BS1

Labcorp Genetics (formerly Invitae), Labcorp
Classification: Benign for Dextro-looped transposition of the great arteries. Last evaluated: 2025-06-14. Review status: criteria provided, single submitter. Criteria: Invitae Variant Classification Sherloc (09022015). Collection method: clinical testing. Allele origin: germline.